The following is an entry in ClinVar:

NM_021930.6(RINT1):c.1970A>C (p.Asp657Ala)

Genes: EFCAB10 (EF-hand calcium binding domain 10; minus strand), RINT1 (RAD50 interactor 1; plus strand). Cytogenetic location: 7q22.3.
Variant type: single nucleotide variant.
Coding change: c.1970A>C on transcript NM_021930.6 (MANE Select); coding-DNA position 1970, A replaced by C.
Protein change: p.Asp657Ala; replaces aspartic acid 657 with alanine.
Molecular consequence: missense variant. On other transcripts: 3 prime UTR variant (3), non-coding transcript variant (1).
Genome position (GRCh38, 1-based): chr7:105,565,360, A>C. VCF-style: chr7-105565360-A-C. GRCh37 (hg19) VCF-style: chr7-105205807-A-C.
Other names: c.*87T>G (NM_001355526.2); c.*189T>G (NM_001355530.2); c.*42T>G (NM_001355531.2); c.1736A>C, p.Asp579Ala (NM_001346599.2); c.947A>C, p.Asp316Ala (NM_001346600.2, NM_001346603.2); c.1046A>C, p.Asp349Ala (NM_001346601.2); short protein forms D316A, D657A, D349A, D579A.
Identifiers: ClinVar variation 1783604 (VCV001783604.2), dbSNP rs2485183485, ClinGen allele CA368814798.

ClinVar aggregate classification (germline): Uncertain significance (1 of 4 stars; one submission).

Submission:

Ambry Genetics
Classification: Uncertain significance. Last evaluated: 2022-06-11. Review status: criteria provided, single submitter. Criteria: Ambry Variant Classification Scheme 2023. Collection method: clinical testing. Allele origin: germline.
Comment: The p.D657A variant (also known as c.1970A>C), located in coding exon 13 of the RINT1 gene, results from an A to C substitution at nucleotide position 1970. The aspartic acid at codon 657 is replaced by alanine, an amino acid with dissimilar properties. This amino acid position is conserved. In addition, the in silico prediction for this alteration is inconclusive. Since supporting evidence is limited at this time, the clinical significance of this alteration remains unclear.